The following is an entry in ClinVar:

ClinVar aggregate classification (germline): Uncertain significance. Review status: criteria provided, single submitter (1 of 4 stars). 2 submissions from 2 submitters: Uncertain significance (1). 1 of the submissions does not count toward it. Last evaluated 2023-03-14.

Conditions:
KANK4-related disorder. Also called: KANK4-related condition.

Allele frequency attached by ClinVar (database versions not stated): ExAC 0.00005; TOPMed 0.00007; ESP Exome Variant Server 0.00015; gnomAD exomes 0.00018.
gnomAD v4.1: 264 of 1,613,632 alleles (0.016%); highest among the groups gnomAD compares: Non-Finnish European, 0.021%; 1 homozygote.

Submissions (2):

Labcorp Genetics (formerly Invitae), Labcorp
Classification: Uncertain significance. Last evaluated: 2023-03-14. Review status: criteria provided, single submitter. Criteria: Invitae Variant Classification Sherloc (09022015). Collection method: clinical testing. Allele origin: germline.
Comment: In summary, the available evidence is currently insufficient to determine the role of this variant in disease. Therefore, it has been classified as a Variant of Uncertain Significance. Algorithms developed to predict the effect of missense changes on protein structure and function output the following: SIFT: "Not Available"; PolyPhen-2: "Benign"; Align-GVGD: "Not Available". The serine amino acid residue is found in multiple mammalian species, which suggests that this missense change does not adversely affect protein function. This variant has not been reported in the literature in individuals affected with KANK4-related conditions. This variant is present in population databases (rs140407819, gnomAD 0.009%). This sequence change replaces glycine, which is neutral and non-polar, with serine, which is neutral and polar, at codon 682 of the KANK4 protein (p.Gly682Ser).

PreventionGenetics, part of Exact Sciences
Classification: Uncertain significance for KANK4-related condition. Last evaluated: 2024-08-22. Review status: no assertion criteria provided. Collection method: clinical testing. Allele origin: germline. Not counted in ClinVar's aggregate classification.
Comment: The KANK4 c.2044G>A variant is predicted to result in the amino acid substitution p.Gly682Ser. To our knowledge, this variant has not been reported in the literature. This variant is reported in 0.0085% of alleles in individuals of European (Non-Finnish) descent in gnomAD. At this time, the clinical significance of this variant is uncertain due to the absence of conclusive functional and genetic evidence.

NM_181712.5(KANK4):c.2044G>A (p.Gly682Ser)

Gene: KANK4 (KN motif and ankyrin repeat domains 4; minus strand). Cytogenetic location: 1p31.3.
Variant type: single nucleotide variant.
Coding change: c.2044G>A on transcript NM_181712.5 (MANE Select); coding-DNA position 2044, G replaced by A.
Protein change: p.Gly682Ser; replaces glycine 682 with serine.
Molecular consequence: missense variant.
Genome position (GRCh38, 1-based): chr1:62,268,474, C>T on the plus strand (G>A on the coding strand, the complement: KANK4 is on the minus strand). VCF-style: chr1-62268474-C-T. GRCh37 (hg19) VCF-style: chr1-62734146-C-T.
Other names: c.160G>A, p.Gly54Ser (NM_001320269.2); c.2044G>A (NM_181712.4); short protein forms G682S, G54S.
Identifiers: ClinVar variation 2913312 (VCV002913312.4), dbSNP rs140407819, ClinGen allele CA884225.